The following is an entry in ClinVar:

NM_032977.4(CASP10):c.1216A>T (p.Ile406Leu)

Gene: CASP10 (caspase 10; plus strand). Cytogenetic location: 2q33.1.
Variant type: single nucleotide variant.
Coding change: c.1216A>T on transcript NM_032977.4 (MANE Select); coding-DNA position 1216, A replaced by T.
Protein change: p.Ile406Leu; replaces isoleucine 406 with leucine.
Molecular consequence: missense variant. On other transcripts: 3 prime UTR variant (1).
Genome position (GRCh38, 1-based): chr2:201,209,363, A>T. VCF-style: chr2-201209363-A-T. GRCh37 (hg19) VCF-style: chr2-202074086-A-T.
Other names: c.1015A>T, p.Ile339Leu (NM_001206524.2); c.1087A>T, p.Ile363Leu (NM_001206542.2, NM_001230.5); c.1216A>T, p.Ile406Leu (NM_032974.5); c.*302A>T (NM_032976.4); short protein forms I406L, I363L, I339L.
Identifiers: ClinVar variation 333435 (VCV000333435.49), dbSNP rs80358239, ClinGen allele CA2053200.

ClinVar aggregate classification (germline): Conflicting classifications of pathogenicity. Review status: criteria provided, conflicting classifications (1 of 4 stars). 8 submissions from 8 submitters: Uncertain significance (1); Benign (2); Likely benign (4). 1 of the submissions does not count toward it. Last evaluated 2026-03-01.

Conditions:
Hypomyelination and Congenital Cataract (HLD5). Also called: hypomyelinating leukodystrophy 5. Identifiers: Orphanet 85163, MedGen C1864663, MONDO:0012514, OMIM 610532.
Autoimmune lymphoproliferative syndrome type 2A (ALPS2A). Also called: Autoimmune lymphoproliferative syndrome type 2; CASP10-Related Autoimmune Lymphoproliferative Syndrome; AUTOIMMUNE LYMPHOPROLIFERATIVE SYNDROME, TYPE IIA. Identifiers: Orphanet 3261, MedGen C1858968, MONDO:0011383, OMIM 603909.

Allele frequency attached by ClinVar (database versions not stated): TOPMed 0.00232; gnomAD 0.00307 and 0.00340; gnomAD exomes 0.00441 and 0.00453; 1000 Genomes Project 0.00479; 1000 Genomes Project 30x 0.00484; ExAC 0.00494.
gnomAD v4.1: 6,932 of 1,614,130 alleles (0.43%); highest among the groups gnomAD compares: South Asian, 1.5%; 40 homozygotes.

Submissions (8):

CeGaT Center for Human Genetics Tuebingen
Classification: Benign. Last evaluated: 2026-03-01. Review status: criteria provided, single submitter. Criteria: CeGaT Center For Human Genetics Tuebingen Variant Classification Criteria Version 2. Collection method: clinical testing. Allele origin: germline. Affected: yes. Observed: 14 variant alleles.
Comment: CASP10: BP4, BS1, BS2

Labcorp Genetics (formerly Invitae), Labcorp
Classification: Likely benign for Autoimmune lymphoproliferative syndrome type 2A. Last evaluated: 2026-02-04. Review status: criteria provided, single submitter. Criteria: Invitae Variant Classification Sherloc (09022015). Collection method: clinical testing. Allele origin: germline.

Mayo Clinic Laboratories, Mayo Clinic
Classification: Likely benign. Last evaluated: 2025-01-29. Review status: criteria provided, single submitter. Criteria: ACMG Guidelines, 2015. Collection method: clinical testing. Allele origin: germline. Observed: 7 variant alleles.
Comment: BS1, BP4, PS3_supporting

GeneDx
Classification: Uncertain significance. Last evaluated: 2022-03-08. Review status: criteria provided, single submitter. Criteria: GeneDx Variant Classification Process June 2021. Collection method: clinical testing. Allele origin: germline. Affected: yes.
Comment: Published in vitro functional studies showed that this variant conferred significant resistance to apoptosis in transfected cells which was even stronger when co-transfected with wild-type CASP10 indicating a probable dominant negative effect (Zhu et al., 2006); This variant is associated with the following publications: (PMID: 22995991, 27535533, 16446975, 32599613, 27378136, 31309545)

Illumina Laboratory Services, Illumina
Classification: Likely benign for Autoimmune lymphoproliferative syndrome type 2A. Last evaluated: 2017-04-27. Review status: criteria provided, single submitter. Criteria: ICSL Variant Classification Criteria 13 December 2019. Collection method: clinical testing. Allele origin: germline.
Comment: This variant was observed as part of a predisposition screen in an ostensibly healthy population. A literature search was performed for the gene, cDNA change, and amino acid change (where applicable). Publications were found based on this search. The evidence from the literature, in combination with allele frequency data from public databases where available, was sufficient to determine this variant is unlikely to cause disease. Therefore, this variant is classified as likely benign.

Center for Pediatric Genomic Medicine, Children's Mercy Hospital and Clinics
Classification: Likely benign. Last evaluated: 2017-01-06. Review status: criteria provided, single submitter. Criteria: ACMG Guidelines, 2015. Collection method: clinical testing. Allele origin: germline.
ClinVar note: Converted during submission from Likely Benign to Likely benign.

Broad Center for Mendelian Genomics, Broad Institute of MIT and Harvard
Classification: Benign for Hypomyelination and Congenital Cataract. Review status: criteria provided, single submitter. Criteria: ACMG Guidelines, 2015. Collection method: research. Allele origin: germline. Inheritance: Autosomal dominant inheritance. Affected: yes.
Comment: The heterozygous p.Ile406Leu variant in CASP10 has been identified in 2 individuals with autoimmune lymphoproliferative syndrome (PMID: 16446975), but has also been identified in >1% of South Asian chromosomes and 9 homozygotes by ExAC. This variant has also been identified in a heterozygous individual and a homozygous individual who have not been reported to have disease (PMID: 22995991). In vitro functional studies provide some evidence that the p.Ile406Leu variant may slightly impact protein function (PMID: 16446975). However, these types of assays may not accurately represent biological function. In summary, this variant meets criteria to be classified as benign for autosomal dominant autoimmune lymphoproliferative syndrome.

GeneReviews
No classification provided. Condition: Autoimmune lymphoproliferative syndrome type 2A. Review status: no classification provided. Collection method: literature only. Allele origin: germline. Not counted in ClinVar's aggregate classification.

Literature cited by the submitters: PubMed 16446975 (cited by 3 submitters); PubMed 27378136 (cited by Mayo Clinic Laboratories, Mayo Clinic); PubMed 31309545 (cited by Mayo Clinic Laboratories, Mayo Clinic); PubMed 32599613 (cited by Mayo Clinic Laboratories, Mayo Clinic); PubMed 34329798 (cited by Mayo Clinic Laboratories, Mayo Clinic); PubMed 22995991 (cited by Broad Center for Mendelian Genomics, Broad Institute of MIT and Harvard); NCBI Bookshelf NBK1108 (cited by GeneReviews).